The following is an entry in ClinVar:

NM_001048174.2(MUTYH):c.970A>T (p.Thr324Ser)

Gene: MUTYH (mutY DNA glycosylase; minus strand). Cytogenetic location: 1p34.1.
Variant type: single nucleotide variant.
Coding change: c.970A>T on transcript NM_001048174.2 (MANE Select); coding-DNA position 970, A replaced by T.
Protein change: p.Thr324Ser; replaces threonine 324 with serine.
Molecular consequence: missense variant. On other transcripts: non-coding transcript variant (7).
Genome position (GRCh38, 1-based): chr1:45,331,793, T>A on the plus strand (A>T on the coding strand, the complement: MUTYH is on the minus strand). VCF-style: chr1-45331793-T-A. GRCh37 (hg19) VCF-style: chr1-45797465-T-A.
Other names: c.970A>T, p.Thr324Ser (NM_001048171.2, NM_001048173.2, NM_001293195.2 and 6 more transcripts); c.973A>T, p.Thr325Ser (NM_001048172.2, NM_001407071.1, NM_001407078.1 and 1 more transcripts); c.1054A>T, p.Thr352Ser (NM_001128425.2); c.1015A>T, p.Thr339Ser (NM_001293190.2); c.1003A>T, p.Thr335Ser (NM_001293191.2, NM_001407069.1, NM_001407077.1); c.694A>T, p.Thr232Ser (NM_001293192.2, NM_001293196.2, NM_001407091.1); c.625A>T, p.Thr209Ser (NM_001350650.2, NM_001350651.2, NM_001407082.1); c.886A>T, p.Thr296Ser (NM_001407075.1); and 5 more; short protein forms T296S, T331S, T335S, T209S, T311S, T339S, T352S, T232S.
Identifiers: ClinVar variation 4112969 (VCV004112969.1).

ClinVar aggregate classification (germline): Uncertain significance (1 of 4 stars; one submission).

Conditions:
Hereditary cancer-predisposing syndrome. Also called: Tumor predisposition; Neoplastic Syndromes, Hereditary; Hereditary neoplastic syndrome; Hereditary Cancer Syndrome. Identifiers: Orphanet 140162, MedGen C0027672, MeSH D009386, MONDO:0015356.

Submission:

Ambry Genetics
Classification: Uncertain significance for Hereditary cancer-predisposing syndrome. Last evaluated: 2025-08-27. Review status: criteria provided, single submitter. Criteria: Ambry Variant Classification Scheme 2023. Collection method: clinical testing. Allele origin: germline.
Comment: The p.T352S variant (also known as c.1054A>T), located in coding exon 12 of the MUTYH gene, results from an A to T substitution at nucleotide position 1054. The threonine at codon 352 is replaced by serine, an amino acid with similar properties. This amino acid position is conserved. In addition, this alteration is predicted to be tolerated by in silico analysis. Based on the available evidence, the clinical significance of this variant remains unclear.